The following is an entry in ClinVar:

ClinVar aggregate classification (germline): Uncertain significance. Review status: criteria provided, multiple submitters, no conflicts (2 of 4 stars). 2 submissions from 2 submitters: Uncertain significance (2). Last evaluated 2025-10-10.

Allele frequency attached by ClinVar (database versions not stated): gnomAD exomes 0.00003 and 0.00011; gnomAD 0.00006 and 0.00007; ExAC 0.00015; 1000 Genomes Project 0.00020; 1000 Genomes Project 30x 0.00031.
gnomAD v4.1: 45 of 1,343,604 alleles (0.0033%); highest among the groups gnomAD compares: East Asian, 0.038%; no homozygotes.

Submissions (2):

Labcorp Genetics (formerly Invitae), Labcorp
Classification: Uncertain significance. Last evaluated: 2025-10-10. Review status: criteria provided, single submitter. Criteria: Invitae Variant Classification Sherloc (09022015). Collection method: clinical testing. Allele origin: germline.
Comment: This sequence change replaces arginine, which is basic and polar, with cysteine, which is neutral and slightly polar, at codon 1890 of the DOCK6 protein (p.Arg1890Cys). This variant is present in population databases (rs551574920, gnomAD 0.09%). This variant has not been reported in the literature in individuals affected with DOCK6-related conditions. ClinVar contains an entry for this variant (Variation ID: 1399841). Invitae Evidence Modeling of protein sequence and biophysical properties (such as structural, functional, and spatial information, amino acid conservation, physicochemical variation, residue mobility, and thermodynamic stability) indicates that this missense variant is not expected to disrupt DOCK6 protein function with a negative predictive value of 80%. In summary, the available evidence is currently insufficient to determine the role of this variant in disease. Therefore, it has been classified as a Variant of Uncertain Significance.

Blueprint Genetics
Classification: Uncertain significance. Last evaluated: 2024-03-22. Review status: criteria provided, single submitter. Criteria: ACMG Guidelines, 2015. Collection method: clinical testing. Allele origin: germline.

NM_020812.4(DOCK6):c.5668C>T (p.Arg1890Cys)

Gene: DOCK6 (dedicator of cytokinesis 6; minus strand). Cytogenetic location: 19p13.2.
Variant type: single nucleotide variant.
Coding change: c.5668C>T on transcript NM_020812.4 (MANE Select); coding-DNA position 5668, C replaced by T.
Protein change: p.Arg1890Cys; replaces arginine 1890 with cysteine.
Molecular consequence: missense variant.
Genome position (GRCh38, 1-based): chr19:11,201,909, G>A on the plus strand (C>T on the coding strand, the complement: DOCK6 is on the minus strand). VCF-style: chr19-11201909-G-A. GRCh37 (hg19) VCF-style: chr19-11312585-G-A.
Other names: c.5773C>T, p.Arg1925Cys (NM_001367830.1); short protein forms R1890C, R1925C.
Identifiers: ClinVar variation 1399841 (VCV001399841.6), dbSNP rs551574920, ClinGen allele CA9206391.